The following is an entry in ClinVar:

NM_212550.5(BLOC1S3):c.529G>A (p.Val177Met)

Gene: BLOC1S3 (biogenesis of lysosomal organelles complex 1 subunit 3; plus strand). Cytogenetic location: 19q13.32.
Variant type: single nucleotide variant.
Coding change: c.529G>A on transcript NM_212550.5 (MANE Select); coding-DNA position 529, G replaced by A.
Protein change: p.Val177Met; replaces valine 177 with methionine.
Molecular consequence: missense variant.
Genome position (GRCh38, 1-based): chr19:45,179,825, G>A. VCF-style: chr19-45179825-G-A. GRCh37 (hg19) VCF-style: chr19-45683083-G-A.
Other names: short protein forms V177M.
Identifiers: ClinVar variation 1407850 (VCV001407850.4), dbSNP rs1007634120, ClinGen allele CA308943552.

ClinVar aggregate classification (germline): Uncertain significance (1 of 4 stars; one submission).

Allele frequency attached by ClinVar (database versions not stated): gnomAD 0.00003 and 0.00004; TOPMed 0.00005.

Submission:

Labcorp Genetics (formerly Invitae), Labcorp
Classification: Uncertain significance. Last evaluated: 2025-12-22. Review status: criteria provided, single submitter. Criteria: Invitae Variant Classification Sherloc (09022015). Collection method: clinical testing. Allele origin: germline.
Comment: This sequence change replaces valine, which is neutral and non-polar, with methionine, which is neutral and non-polar, at codon 177 of the BLOC1S3 protein (p.Val177Met). This variant is not present in population databases (gnomAD no frequency). This variant has not been reported in the literature in individuals affected with BLOC1S3-related conditions. ClinVar contains an entry for this variant (Variation ID: 1407850). An algorithm developed to predict the effect of missense changes on protein structure and function (PolyPhen-2) suggests that this variant is likely to be disruptive. In summary, the available evidence is currently insufficient to determine the role of this variant in disease. Therefore, it has been classified as a Variant of Uncertain Significance.